The following is an entry in ClinVar:

ClinVar aggregate classification (germline): Likely pathogenic (1 of 4 stars; one submission).

Conditions:
Becker muscular dystrophy, Cardiomyopathy, Duchenne muscular dystrophy, Dystrophin deficiency.

Submission:

Natera, Inc.
Classification: Likely pathogenic for Becker muscular dystrophy, Cardiomyopathy, Duchenne muscular dystrophy, Dystrophin deficiency. Last evaluated: 2024-11-17. Review status: criteria provided, single submitter. Criteria: Natera Variant Classification Schema (03/2026). Collection method: clinical testing. Allele origin: germline.
Comment: The c.460del variant in DMD is a frameshift variant predicted to shift the reading frame beginning at codon 154 and leads to a stop codon 3 codons downstream. This variant is expected to result in nonsense mediated decay, truncation, or a dysfunctional protein product. This variant is rare in the general population with a frequency below the threshold expected for the associated phenotype(s). Given the available evidence, this variant is classified as Likely Pathogenic.

NM_004006.3(DMD):c.460del (p.Val154fs)

Gene: DMD (dystrophin; minus strand). Cytogenetic location: Xp21.1.
Variant type: Deletion.
Coding change: c.460del on transcript NM_004006.3 (MANE Select); coding-DNA position 460, one base deleted (G; older notation c.460delG).
Protein change: p.Val154fs; shifts the reading frame from valine 154.
Molecular consequence: frameshift variant.
Genome position (GRCh38, 1-based): chrX:32,816,538, C deleted on the plus strand (G on the coding strand, the reverse complement: DMD is on the minus strand); the first of 2 consecutive C bases (chrX:32,816,538-32,816,539); deleting either gives the same sequence. VCF-style (leftmost placement, unchanged base first): chrX-32816537-AC-A. GRCh37 (hg19) VCF-style: chrX-32834654-AC-A.
Other names: c.436del, p.Val146fs (NM_000109.4); c.459delG, p.Val154Leufs (NM_004006.2); c.448del, p.Val150fs (NM_004009.3); c.91del, p.Val31fs (NM_004010.3); short protein forms V146fs, V150fs, V154fs, V31fs.
Identifiers: ClinVar variation 4815310 (VCV004815310.1).